The following is an entry in ClinVar:

ClinVar aggregate classification (germline): Uncertain significance. Review status: criteria provided, multiple submitters, no conflicts (2 of 4 stars). 2 submissions from 2 submitters: Uncertain significance (2). Last evaluated 2025-03-05.

Allele frequency attached by ClinVar (database versions not stated): gnomAD exomes 0.00001; gnomAD 0.00001.
gnomAD v4.1: 8 of 923,880 alleles (0.00087%); highest among the groups gnomAD compares: East Asian, 0.0033%; no homozygotes.

Submissions (2):

Labcorp Genetics (formerly Invitae), Labcorp
Classification: Uncertain significance. Last evaluated: 2025-03-05. Review status: criteria provided, single submitter. Criteria: Invitae Variant Classification Sherloc (09022015). Collection method: clinical testing. Allele origin: germline.
Comment: This sequence change falls in intron 11 of the STAG2 gene. It does not directly change the encoded amino acid sequence of the STAG2 protein. It affects a nucleotide within the consensus splice site. This variant is present in population databases (no rsID available, gnomAD 0.002%). This variant has not been reported in the literature in individuals affected with STAG2-related conditions. ClinVar contains an entry for this variant (Variation ID: 2967036). Variants that disrupt the consensus splice site are a relatively common cause of aberrant splicing (PMID: 17576681, 9536098). Algorithms developed to predict the effect of sequence changes on RNA splicing suggest that this variant may create or strengthen a splice site. In summary, the available evidence is currently insufficient to determine the role of this variant in disease. Therefore, it has been classified as a Variant of Uncertain Significance.

ARUP Laboratories, Molecular Genetics and Genomics, ARUP Laboratories
Classification: Uncertain significance. Last evaluated: 2024-02-21. Review status: criteria provided, single submitter. Criteria: ARUP Molecular Germline Variant Investigation Process 2024. Collection method: clinical testing. Allele origin: germline.

Literature cited by the submitters: PubMed 17576681 (cited by Labcorp Genetics (formerly Invitae), Labcorp); PubMed 9536098 (cited by Labcorp Genetics (formerly Invitae), Labcorp).

NM_001042750.2(STAG2):c.1018-3T>A

Gene: STAG2 (STAG2 cohesin complex component; plus strand). Cytogenetic location: Xq25.
Variant type: single nucleotide variant.
Coding change: c.1018-3T>A on transcript NM_001042750.2 (MANE Select); 3 bases into the intron before coding-DNA position 1018, T replaced by A.
Molecular consequence: intron variant.
Genome position (GRCh38, 1-based): chrX:124,051,118, T>A. VCF-style: chrX-124051118-T-A. GRCh37 (hg19) VCF-style: chrX-123184968-T-A.
Other names: c.1018-3T>A (NM_001042749.2, NM_001375366.1, NM_001375373.1 and 13 more transcripts).
Identifiers: ClinVar variation 2967036 (VCV002967036.3), dbSNP rs1192051011, ClinGen allele CA644576582.